The following is an entry in ClinVar:

ClinVar aggregate classification (germline): Uncertain significance (1 of 4 stars; one submission).

Conditions:
Aicardi-Goutieres syndrome 6 (AGS6). Identifiers: Orphanet 51, MedGen C3539013, MONDO:0014007, OMIM 615010.
Symmetrical dyschromatosis of extremities (DSH). Also called: DYSCHROMATOSIS SYMMETRICA HEREDITARIA 1; RETICULATE ACROPIGMENTATION OF DOHI; SYMMETRIC DYSCHROMATOSIS OF THE EXTREMITIES; Dyschromatosis symmetrica hereditaria. Identifiers: Orphanet 41, MedGen C0406775, MONDO:0007483, OMIM 127400.

Allele frequency attached by ClinVar (database versions not stated): gnomAD 0.00002; ExAC 0.00005; gnomAD exomes 0.00002.
gnomAD v4.1: 43 of 1,613,878 alleles (0.0027%); highest among the groups gnomAD compares: South Asian, 0.029%; no homozygotes.

Submission:

Labcorp Genetics (formerly Invitae), Labcorp
Classification: Uncertain significance for Aicardi-Goutieres syndrome 6; Symmetrical dyschromatosis of extremities. Last evaluated: 2026-02-03. Review status: criteria provided, single submitter. Criteria: Invitae Variant Classification Sherloc (09022015). Collection method: clinical testing. Allele origin: germline.
Comment: This sequence change replaces alanine, which is neutral and non-polar, with valine, which is neutral and non-polar, at codon 198 of the ADAR protein (p.Ala198Val). This variant is present in population databases (rs760911897, gnomAD 0.03%). This variant has not been reported in the literature in individuals affected with ADAR-related conditions. ClinVar contains an entry for this variant (Variation ID: 2062257). An algorithm developed to predict the effect of missense changes on protein structure and function outputs the following: PolyPhen-2: "Benign". The valine amino acid residue is found in multiple mammalian species, which suggests that this missense change does not adversely affect protein function. In summary, the available evidence is currently insufficient to determine the role of this variant in disease. Therefore, it has been classified as a Variant of Uncertain Significance.

NM_001111.5(ADAR):c.593C>T (p.Ala198Val)

Gene: ADAR (adenosine deaminase RNA specific; minus strand). Cytogenetic location: 1q21.3.
Variant type: single nucleotide variant.
Coding change: c.593C>T on transcript NM_001111.5 (MANE Select); coding-DNA position 593, C replaced by T.
Protein change: p.Ala198Val; replaces alanine 198 with valine.
Molecular consequence: missense variant. On other transcripts: 5 prime UTR variant (6).
Genome position (GRCh38, 1-based): chr1:154,602,049, G>A on the plus strand (C>T on the coding strand, the complement: ADAR is on the minus strand). VCF-style: chr1-154602049-G-A. GRCh37 (hg19) VCF-style: chr1-154574525-G-A.
Other names: c.-293C>T (NM_001025107.3, NM_001193495.2, NM_001365046.1 and 3 more transcripts); c.620C>T, p.Ala207Val (NM_001365045.1); c.593C>T, p.Ala198Val (NM_015840.4, NM_015841.4); short protein forms A198V, A207V.
Identifiers: ClinVar variation 2062257 (VCV002062257.4), dbSNP rs760911897, ClinGen allele CA1131676.